The following is an entry in ClinVar:

ClinVar aggregate classification (germline): Uncertain significance (1 of 4 stars; one submission).

Submission:

Labcorp Genetics (formerly Invitae), Labcorp
Classification: Uncertain significance. Last evaluated: 2021-12-24. Review status: criteria provided, single submitter. Criteria: Invitae Variant Classification Sherloc (09022015). Collection method: clinical testing. Allele origin: germline.
Comment: This sequence change replaces arginine, which is basic and polar, with serine, which is neutral and polar, at codon 421 of the TLK2 protein (p.Arg421Ser). This variant is not present in population databases (gnomAD no frequency). This variant has not been reported in the literature in individuals affected with TLK2-related conditions. Algorithms developed to predict the effect of missense changes on protein structure and function are either unavailable or do not agree on the potential impact of this missense change (SIFT: "Tolerated"; PolyPhen-2: "Probably Damaging"; Align-GVGD: "Class C0"). In summary, the available evidence is currently insufficient to determine the role of this variant in disease. Therefore, it has been classified as a Variant of Uncertain Significance.

NM_006852.6(TLK2):c.1263G>C (p.Arg421Ser)

Gene: TLK2 (tousled like kinase 2; plus strand). Cytogenetic location: 17q23.2.
Variant type: single nucleotide variant.
Coding change: c.1263G>C on transcript NM_006852.6 (MANE Select); coding-DNA position 1263, G replaced by C.
Protein change: p.Arg421Ser; replaces arginine 421 with serine.
Molecular consequence: missense variant.
Genome position (GRCh38, 1-based): chr17:62,578,551, G>C. VCF-style: chr17-62578551-G-C. GRCh37 (hg19) VCF-style: chr17-60655912-G-C.
Other names: c.1329G>C, p.Arg443Ser (NM_001284333.3); c.1167G>C, p.Arg389Ser (NM_001284363.1, NM_001375272.1); c.816G>C, p.Arg272Ser (NM_001330418.3, NM_001375273.1); c.1305G>C, p.Arg435Ser (NM_001375269.1); c.1263G>C, p.Arg421Ser (NM_001375270.1, NM_001375271.1); c.978G>C, p.Arg326Ser (NM_001411074.1); short protein forms R443S, R421S, R435S, R272S, R326S, R389S.
Identifiers: ClinVar variation 2058006 (VCV002058006.4), dbSNP rs2545779002, ClinGen allele CA400503727.